The following is an entry in ClinVar:

ClinVar aggregate classification (germline): Uncertain significance (1 of 4 stars; one submission).

Conditions:
Familial adenomatous polyposis 1 (FAP1). Also called: POLYPOSIS, ADENOMATOUS INTESTINAL; FAMILIAL ADENOMATOUS POLYPOSIS 1, ATTENUATED. Identifiers: MedGen C2713442, MONDO:0021056, OMIM 175100. Disease mechanism: loss of function.

Submission:

Labcorp Genetics (formerly Invitae), Labcorp
Classification: Uncertain significance for Familial adenomatous polyposis 1. Last evaluated: 2022-04-26. Review status: criteria provided, single submitter. Criteria: Invitae Variant Classification Sherloc (09022015). Collection method: clinical testing. Allele origin: germline.
Comment: In summary, the available evidence is currently insufficient to determine the role of this variant in disease. Therefore, it has been classified as a Variant of Uncertain Significance. Algorithms developed to predict the effect of missense changes on protein structure and function are either unavailable or do not agree on the potential impact of this missense change (SIFT: "Deleterious"; PolyPhen-2: "Probably Damaging"; Align-GVGD: "Class C0"). This variant has not been reported in the literature in individuals affected with APC-related conditions. This variant is not present in population databases (gnomAD no frequency). This sequence change replaces threonine, which is neutral and polar, with proline, which is neutral and non-polar, at codon 1655 of the APC protein (p.Thr1655Pro).

NM_000038.6(APC):c.4963A>C (p.Thr1655Pro)

Gene: APC (APC regulator of Wnt signaling pathway; plus strand). Cytogenetic location: 5q22.2.
Variant type: single nucleotide variant.
Coding change: c.4963A>C on transcript NM_000038.6 (MANE Select); coding-DNA position 4963, A replaced by C.
Protein change: p.Thr1655Pro; replaces threonine 1655 with proline.
Molecular consequence: missense variant.
Genome position (GRCh38, 1-based): chr5:112,840,557, A>C. VCF-style: chr5-112840557-A-C. GRCh37 (hg19) VCF-style: chr5-112176254-A-C.
Other names: c.4963A>C, p.Thr1655Pro (NM_001127510.3, NM_001354895.2, NM_001407450.1); c.4909A>C, p.Thr1637Pro (NM_001127511.3); c.5017A>C, p.Thr1673Pro (NM_001354896.2, NM_001407447.1, NM_001407448.1 and 1 more transcripts); c.4993A>C, p.Thr1665Pro (NM_001354897.2); c.4888A>C, p.Thr1630Pro (NM_001354898.2); c.4879A>C, p.Thr1627Pro (NM_001354899.2); c.4840A>C, p.Thr1614Pro (NM_001354900.2); c.4786A>C, p.Thr1596Pro (NM_001354901.2, NM_001407453.1); and 11 more; short protein forms T1271P, T1572P, T1645P, T1655P, T1372P, T1495P, T1526P, T1614P.
Identifiers: ClinVar variation 1988396 (VCV001988396.4), dbSNP rs759441332, ClinGen allele CA16032197.